The following is an entry in ClinVar:

ClinVar aggregate classification (germline): Uncertain significance (1 of 4 stars; one submission).

Submission:

GeneDx
Classification: Uncertain significance. Last evaluated: 2025-07-23. Review status: criteria provided, single submitter. Criteria: GeneDx Variant Classification Process June 2021. Collection method: clinical testing. Allele origin: germline. Affected: yes.
Comment: Not observed at significant frequency in large population cohorts (gnomAD); In silico analysis supports that this missense variant has a deleterious effect on protein structure/function; Has not been previously published as pathogenic or benign to our knowledge

NM_016366.3(CABP2):c.473G>C (p.Arg158Pro)

Gene: CABP2 (calcium binding protein 2; minus strand). Cytogenetic location: 11q13.2.
Variant type: single nucleotide variant.
Coding change: c.473G>C on transcript NM_016366.3 (MANE Select); coding-DNA position 473, G replaced by C.
Protein change: p.Arg158Pro; replaces arginine 158 with proline.
Molecular consequence: missense variant.
Genome position (GRCh38, 1-based): chr11:67,520,067, C>G on the plus strand (G>C on the coding strand, the complement: CABP2 is on the minus strand). VCF-style: chr11-67520067-C-G. GRCh37 (hg19) VCF-style: chr11-67287538-C-G.
Other names: c.491G>C, p.Arg164Pro (NM_001318496.2); short protein forms R158P, R164P.
Identifiers: ClinVar variation 4686996 (VCV004686996.1).
Genomic context (GRCh38, chr11:67,520,067, plus strand): 5'-GGCAGACACGCAGCCCTGCCCGCCCTCAGCCCCAGTGGCCGCACCTCCCGGAAGGCGTCC[C>G]GTAGCTCCCGGACACCGATCATGTCTGCCGTCTCTGCCAGCAGCTTGGGGCCCATCAGCT-3'
Protein context (NP_057450.2, residues 148-168): TADMIGVREL[Arg158Pro]DAFREFDTNG